The following is an entry in ClinVar:

NM_025114.4(CEP290):c.7256C>T (p.Ser2419Leu)

Genes: CEP290 (centrosomal protein 290; minus strand), RLIG1 (RNA 5'-phosphate and 3'-OH ligase 1; plus strand). Cytogenetic location: 12q21.32.
Variant type: single nucleotide variant.
Coding change: c.7256C>T on transcript NM_025114.4 (MANE Select); coding-DNA position 7256, C replaced by T.
Protein change: p.Ser2419Leu; replaces serine 2419 with leucine.
Molecular consequence: missense variant. On other transcripts: 3 prime UTR variant (1).
Genome position (GRCh38, 1-based): chr12:88,049,368, G>A on the plus strand (C>T on the coding strand, the complement: CEP290 is on the minus strand). VCF-style: chr12-88049368-G-A. GRCh37 (hg19) VCF-style: chr12-88443145-G-A.
Other names: c.*946G>A (NM_001009894.3); short protein forms S2419L.
Identifiers: ClinVar variation 1495972 (VCV001495972.4), dbSNP rs2136547201, ClinGen allele CA385973084.

ClinVar aggregate classification (germline): Uncertain significance (1 of 4 stars; one submission).

Conditions:
Nephronophthisis. Also called: Juvenile Nephronophthisis. Identifiers: Orphanet 655, MedGen C0687120, MONDO:0019005, HP:0000090.
Meckel-Gruber syndrome. Also called: DYSENCEPHALIA SPLANCHNOCYSTICA; GRUBER SYNDROME; Dysencephalia splachnocystica. Identifiers: Orphanet 564, MedGen C0265215, MONDO:0018921.
Joubert syndrome. Also called: CEREBELLOPARENCHYMAL DISORDER IV; JOUBERT-BOLTSHAUSER SYNDROME; Familial aplasia of the vermis. Identifiers: Orphanet 475, MedGen C5979921, MONDO:0018772.

gnomAD v4.1: 1 of 1,561,152 alleles (0.000064%); highest among the groups gnomAD compares: South Asian, 0.0012%; no homozygotes.

Submission:

Labcorp Genetics (formerly Invitae), Labcorp
Classification: Uncertain significance for Joubert syndrome; Meckel-Gruber syndrome; Nephronophthisis. Last evaluated: 2022-11-22. Review status: criteria provided, single submitter. Criteria: Invitae Variant Classification Sherloc (09022015). Collection method: clinical testing. Allele origin: germline.
Comment: In summary, the available evidence is currently insufficient to determine the role of this variant in disease. Therefore, it has been classified as a Variant of Uncertain Significance. Algorithms developed to predict the effect of missense changes on protein structure and function are either unavailable or do not agree on the potential impact of this missense change (SIFT: "Deleterious"; PolyPhen-2: "Possibly Damaging"; Align-GVGD: "Class C0"). ClinVar contains an entry for this variant (Variation ID: 1495972). This variant has not been reported in the literature in individuals affected with CEP290-related conditions. This variant is not present in population databases (gnomAD no frequency). This sequence change replaces serine, which is neutral and polar, with leucine, which is neutral and non-polar, at codon 2419 of the CEP290 protein (p.Ser2419Leu).